The following is an entry in ClinVar:

ClinVar aggregate classification (germline): Uncertain significance (1 of 4 stars; one submission).

Conditions:
Hereditary cancer-predisposing syndrome. Also called: Neoplastic Syndromes, Hereditary; Tumor predisposition; Hereditary neoplastic syndrome; Hereditary Cancer Syndrome. Identifiers: Orphanet 140162, MedGen C0027672, MeSH D009386, MONDO:0015356.

gnomAD v4.1: 1 of 1,606,616 alleles (0.000062%); highest among the groups gnomAD compares: Non-Finnish European, 0.000085%; no homozygotes.

Submission:

Ambry Genetics
Classification: Uncertain significance for Hereditary cancer-predisposing syndrome. Last evaluated: 2023-10-31. Review status: criteria provided, single submitter. Criteria: Ambry Variant Classification Scheme 2023. Collection method: clinical testing. Allele origin: germline.
Comment: The c.546+4C>T intronic variant results from a C to T substitution 4 nucleotides after coding exon 4 in the POT1 gene. This nucleotide position is poorly conserved in available vertebrate species. In silico splice site analysis predicts that this alteration will not have any significant effect on splicing. Since supporting evidence is limited at this time, the clinical significance of this alteration remains unclear.

NM_015450.3(POT1):c.546+4C>T

Gene: POT1 (protection of telomeres 1; minus strand). Cytogenetic location: 7q31.33.
Variant type: single nucleotide variant.
Coding change: c.546+4C>T on transcript NM_015450.3 (MANE Select); 4 bases into the intron after coding-DNA position 546, C replaced by T.
Molecular consequence: intron variant.
Genome position (GRCh38, 1-based): chr7:124,863,346, G>A on the plus strand (C>T on the coding strand, the complement: POT1 is on the minus strand). VCF-style: chr7-124863346-G-A. GRCh37 (hg19) VCF-style: chr7-124503400-G-A.
Other names: c.153+4C>T (NM_001042594.2).
Identifiers: ClinVar variation 3226680 (VCV003226680.1), dbSNP rs1795644961, ClinGen allele CA2684722426.
Genomic context (GRCh38, chr7:124,863,346, plus strand): 5'-ATAAGCTCTTTACAGACATGTAAGTGGTGCTAACTTATAATTCCCAGTATTAAAAAATAT[G>A]TACCTTTAGAAGAAATGATGCTCCGTCCACTTCTGCTTTGCCCAAGAGCTGACAAGTCAG-3'